The following is an entry in ClinVar:

NM_004333.6(BRAF):c.2293G>C (p.Val765Leu)

Gene: BRAF (B-Raf proto-oncogene, serine/threonine kinase; minus strand). Cytogenetic location: 7q34.
Variant type: single nucleotide variant.
Coding change: c.2293G>C on transcript NM_004333.6 (MANE Select); coding-DNA position 2293, G replaced by C.
Protein change: p.Val765Leu; replaces valine 765 with leucine.
Molecular consequence: missense variant. On other transcripts: intron variant (9).
Genome position (GRCh38, 1-based): chr7:140,734,605, C>G on the plus strand (G>C on the coding strand, the complement: BRAF is on the minus strand). VCF-style: chr7-140734605-C-G. GRCh37 (hg19) VCF-style: chr7-140434405-C-G.
Other names: c.2293G>C (NM_004333.4); c.2413G>C, p.Val805Leu (NM_001374244.1); c.2227G>C, p.Val743Leu (NM_001378469.1); c.2137G>C, p.Val713Leu (NM_001378473.1); c.2127+5207G>C (NM_001378474.1, NM_001378468.1); c.2179+12G>C (NM_001378470.1); c.2017+12G>C (NM_001378475.1); c.2170+12G>C (NM_001378471.1); and 4 more; short protein forms V743L, V805L, V765L, V713L.
Identifiers: ClinVar variation 1466853 (VCV001466853.8), dbSNP rs1217309134, ClinGen allele CA369536942.

ClinVar aggregate classification (germline): Uncertain significance. Review status: criteria provided, multiple submitters, no conflicts (2 of 4 stars). 2 submissions from 2 submitters: Uncertain significance (2). Last evaluated 2026-09-12.

Conditions:
Cardiovascular phenotype. Identifiers: MedGen CN230736.
RASopathy. Also called: rasopathies; Noonan spectrum disorder. Identifiers: Orphanet 536391, MedGen C5555857, MONDO:0021060.

Allele frequency attached by ClinVar (database versions not stated): gnomAD exomes below 0.00001.
gnomAD v4.1: 3 of 1,613,364 alleles (0.00019%); highest among the groups gnomAD compares: Non-Finnish European, 0.00017%; no homozygotes.

Submissions (2):

Ambry Genetics
Classification: Uncertain significance for Cardiovascular phenotype. Last evaluated: 2026-09-12. Review status: criteria provided, single submitter. Criteria: Ambry Variant Classification Scheme 2023. Collection method: clinical testing. Allele origin: germline.
Comment: The p.V765L variant (also known as c.2293G>C), located in coding exon 18 of the BRAF gene, results from a G to C substitution at nucleotide position 2293. The valine at codon 765 is replaced by leucine, an amino acid with highly similar properties. This amino acid position is conserved. In addition, this alteration is predicted to be tolerated by in silico analysis. Based on the available evidence, the clinical significance of this variant remains unclear.

Labcorp Genetics (formerly Invitae), Labcorp
Classification: Uncertain significance for RASopathy. Last evaluated: 2025-01-30. Review status: criteria provided, single submitter. Criteria: Invitae Variant Classification Sherloc (09022015). Collection method: clinical testing. Allele origin: germline.
Comment: This sequence change replaces valine, which is neutral and non-polar, with leucine, which is neutral and non-polar, at codon 765 of the BRAF protein (p.Val765Leu). This variant is present in population databases (no rsID available, gnomAD 0.003%). This variant has not been reported in the literature in individuals affected with BRAF-related conditions. ClinVar contains an entry for this variant (Variation ID: 1466853). Invitae Evidence Modeling of protein sequence and biophysical properties (such as structural, functional, and spatial information, amino acid conservation, physicochemical variation, residue mobility, and thermodynamic stability) indicates that this missense variant is not expected to disrupt BRAF protein function with a negative predictive value of 95%. In summary, the available evidence is currently insufficient to determine the role of this variant in disease. Therefore, it has been classified as a Variant of Uncertain Significance.